The following is an entry in ClinVar:

ClinVar aggregate classification (germline): Likely pathogenic (1 of 4 stars; one submission).

Submission:

GeneDx
Classification: Likely pathogenic. Last evaluated: 2024-12-19. Review status: criteria provided, single submitter. Criteria: GeneDx Variant Classification Process June 2021. Collection method: clinical testing. Allele origin: germline. Affected: yes.
Comment: Not observed at significant frequency in large population cohorts (gnomAD); Missense variants in this gene are a common cause of disease and they are underrepresented in the general population; In silico analysis indicates that this missense variant does not alter protein structure/function; Has not been previously published as pathogenic or benign to our knowledge; This variant is associated with the following publications: (PMID: 12402337)

NM_000166.6(GJB1):c.439G>A (p.Ala147Thr)

Gene: GJB1 (gap junction protein beta 1; plus strand). Cytogenetic location: Xq13.1.
Variant type: single nucleotide variant.
Coding change: c.439G>A on transcript NM_000166.6 (MANE Select); coding-DNA position 439, G replaced by A.
Protein change: p.Ala147Thr; replaces alanine 147 with threonine.
Molecular consequence: missense variant.
Genome position (GRCh38, 1-based): chrX:71,224,146, G>A. VCF-style: chrX-71224146-G-A. GRCh37 (hg19) VCF-style: chrX-70443996-G-A.
Other names: c.439G>A, p.Ala147Thr (NM_001097642.3); short protein forms A147T.
Identifiers: ClinVar variation 246133 (VCV000246133.5), dbSNP rs760123011, ClinGen allele CA10584641.